The following is an entry in ClinVar:

NM_005430.4(WNT1):c.721G>T (p.Ala241Ser)

Gene: WNT1 (Wnt family member 1; plus strand). Cytogenetic location: 12q13.12.
Variant type: single nucleotide variant.
Coding change: c.721G>T on transcript NM_005430.4 (MANE Select); coding-DNA position 721, G replaced by T.
Protein change: p.Ala241Ser; replaces alanine 241 with serine.
Molecular consequence: missense variant.
Genome position (GRCh38, 1-based): chr12:48,981,248, G>T. VCF-style: chr12-48981248-G-T. GRCh37 (hg19) VCF-style: chr12-49375031-G-T.
Other names: short protein forms A241S.
Identifiers: ClinVar variation 2974557 (VCV002974557.3), dbSNP rs777921885, ClinGen allele CA6544459.

ClinVar aggregate classification (germline): Uncertain significance (1 of 4 stars; one submission).

Allele frequency attached by ClinVar (database versions not stated): ExAC 0.00002.
gnomAD v4.1: 12 of 1,608,716 alleles (0.00075%); highest among the groups gnomAD compares: Admixed American, 0.0017%; no homozygotes.

Submission:

Labcorp Genetics (formerly Invitae), Labcorp
Classification: Uncertain significance. Last evaluated: 2025-02-06. Review status: criteria provided, single submitter. Criteria: Invitae Variant Classification Sherloc (09022015). Collection method: clinical testing. Allele origin: germline.
Comment: This sequence change replaces alanine, which is neutral and non-polar, with serine, which is neutral and polar, at codon 241 of the WNT1 protein (p.Ala241Ser). This variant is present in population databases (rs777921885, gnomAD 0.005%). This variant has not been reported in the literature in individuals affected with WNT1-related conditions. ClinVar contains an entry for this variant (Variation ID: 2974557). Invitae Evidence Modeling of protein sequence and biophysical properties (such as structural, functional, and spatial information, amino acid conservation, physicochemical variation, residue mobility, and thermodynamic stability) indicates that this missense variant is not expected to disrupt WNT1 protein function with a negative predictive value of 80%. In summary, the available evidence is currently insufficient to determine the role of this variant in disease. Therefore, it has been classified as a Variant of Uncertain Significance.